The following is an entry in ClinVar:

NM_000059.4(BRCA2):c.2516dup (p.Tyr839Ter)

Gene: BRCA2 (BRCA2 DNA repair associated; plus strand). Cytogenetic location: 13q13.1.
Variant type: Duplication.
Coding change: c.2516dup on transcript NM_000059.4 (MANE Select); coding-DNA position 2516, one base duplicated (A; older notation c.2516dupA).
Protein change: p.Tyr839Ter; replaces tyrosine 839 with a stop codon.
Molecular consequence: nonsense.
Genome position (GRCh38, 1-based): chr13:32,336,871, A duplicated. VCF-style (leftmost placement, unchanged base first): chr13-32336870-T-TA. GRCh37 (hg19) VCF-style: chr13-32911007-T-TA.
Other names: c.2516dup (NM_000059.3); short protein forms Y839*.
Identifiers: ClinVar variation 821423 (VCV000821423.15), dbSNP rs1593897122, ClinGen allele CA915946988.

ClinVar aggregate classification (germline): Pathogenic. Review status: criteria provided, multiple submitters, no conflicts (2 of 4 stars). 3 submissions from 3 submitters: Pathogenic (3). Last evaluated 2023-05-23.

Conditions:
Hereditary cancer-predisposing syndrome. Also called: Hereditary Cancer Syndrome; Hereditary neoplastic syndrome; Neoplastic Syndromes, Hereditary; Tumor predisposition. Identifiers: Orphanet 140162, MedGen C0027672, MeSH D009386, MONDO:0015356.
Familial prostate cancer. Also called: Hereditary Prostate Cancer. Identifiers: MedGen C2931456, MONDO:0700275, OMIM 176807.
Hereditary breast ovarian cancer syndrome. Also called: Hereditary breast and/or ovarian cancer syndrome; Hereditary breast and ovarian cancer syndrome; Hereditary breast and ovarian cancer syndrome (HBOC); BRCA1- and BRCA2-Associated Hereditary Breast and Ovarian Cancer; Hereditary breast and ovarian cancer; Breast and ovarian cancer. Identifiers: Orphanet 145, MedGen C0677776, MeSH D061325, MONDO:0003582. Disease mechanism: loss of function.

Submissions (3):

Ambry Genetics
Classification: Pathogenic for Hereditary cancer-predisposing syndrome. Last evaluated: 2023-05-23. Review status: criteria provided, single submitter. Criteria: Ambry Variant Classification Scheme 2023. Collection method: clinical testing. Allele origin: germline.
Comment: The c.2516dupA pathogenic mutation, located in coding exon 10 of the BRCA2 gene, results from a duplication of A at nucleotide position 2516, causing a translational frameshift with a predicted alternate stop codon (p.Y839*). This variant is considered to be rare based on population cohorts in the Genome Aggregation Database (gnomAD). This alteration is expected to result in loss of function by premature protein truncation or nonsense-mediated mRNA decay. As such, this alteration is interpreted as a disease-causing mutation.

Department of Pathology and Laboratory Medicine, Sinai Health System
Classification: Pathogenic for Familial prostate cancer. Last evaluated: 2022-05-24. Review status: criteria provided, single submitter. Criteria: ACMG Guidelines, 2015. Collection method: clinical testing. Allele origin: germline. Affected: yes.

Labcorp Genetics (formerly Invitae), Labcorp
Classification: Pathogenic for Hereditary breast ovarian cancer syndrome. Last evaluated: 2020-01-22. Review status: criteria provided, single submitter. Criteria: Invitae Variant Classification Sherloc (09022015). Collection method: clinical testing. Allele origin: germline.
Comment: For these reasons, this variant has been classified as Pathogenic. Loss-of-function variants in BRCA2 are known to be pathogenic (PMID: 20104584). This nonsense change has been observed in individual(s) with a personal and/or family history of breast and/or ovarian cancer (PMID: 29446198). This variant is not present in population databases (ExAC no frequency). This sequence change creates a premature translational stop signal (p.Tyr839*) in the BRCA2 gene. It is expected to result in an absent or disrupted protein product.

Literature cited by the submitters: PubMed 20104584 (cited by Labcorp Genetics (formerly Invitae), Labcorp); PubMed 29446198 (cited by Labcorp Genetics (formerly Invitae), Labcorp).